The following is an entry in ClinVar:

NM_014208.3(DSPP):c.288T>A (p.Tyr96Ter)

Genes: DMP1-AS1 (DMP1 and DSPP antisense RNA 1; minus strand), DSPP (dentin sialophosphoprotein; plus strand). Cytogenetic location: 4q22.1.
Variant type: single nucleotide variant.
Coding change: c.288T>A on transcript NM_014208.3 (MANE Select); coding-DNA position 288, T replaced by A.
Protein change: p.Tyr96Ter; replaces tyrosine 96 with a stop codon.
Molecular consequence: nonsense.
Genome position (GRCh38, 1-based): chr4:87,612,474, T>A. VCF-style: chr4-87612474-T-A. GRCh37 (hg19) VCF-style: chr4-88533626-T-A.
Other names: short protein forms Y96*.
Identifiers: ClinVar variation 3684038 (VCV003684038.2).
Genomic context (GRCh38, chr4:87,612,474, plus strand): 5'-CAAGGGAGAAGGGAATGGCTCTAAGTGGGCAGAAGTAGGAGGGAAGAGTTTTTCTACATA[T>A]TCCACATTAGCAAACGAAGAGGGGAATATTGAGGGCTGGAATGGGGACACAGGAAAAGCA-3'

ClinVar aggregate classification (germline): Uncertain significance (1 of 4 stars; one submission).

gnomAD v4.1: 5 of 1,613,904 alleles (0.00031%); highest among the groups gnomAD compares: South Asian, 0.0044%; no homozygotes.

Submission:

Labcorp Genetics (formerly Invitae), Labcorp
Classification: Uncertain significance. Last evaluated: 2024-03-24. Review status: criteria provided, single submitter. Criteria: Invitae Variant Classification Sherloc (09022015). Collection method: clinical testing. Allele origin: germline.
Comment: This sequence change creates a premature translational stop signal (p.Tyr96*) in the DSPP gene. It is expected to result in an absent or disrupted protein product. However, the current clinical and genetic evidence is not sufficient to establish whether loss-of-function variants in DSPP cause disease. This variant is present in population databases (rs761524970, gnomAD 0.0009%). This variant has not been reported in the literature in individuals affected with DSPP-related conditions. In summary, the available evidence is currently insufficient to determine the role of this variant in disease. Therefore, it has been classified as a Variant of Uncertain Significance.